The following is an entry in ClinVar:

NM_001101362.3(KBTBD13):c.182C>T (p.Thr61Met)

Gene: KBTBD13 (kelch repeat and BTB domain containing 13; plus strand). Cytogenetic location: 15q22.31.
Variant type: single nucleotide variant.
Coding change: c.182C>T on transcript NM_001101362.3 (MANE Select); coding-DNA position 182, C replaced by T.
Protein change: p.Thr61Met; replaces threonine 61 with methionine.
Molecular consequence: missense variant.
Genome position (GRCh38, 1-based): chr15:65,076,997, C>T. VCF-style: chr15-65076997-C-T. GRCh37 (hg19) VCF-style: chr15-65369335-C-T.
Other names: short protein forms T61M.
Identifiers: ClinVar variation 2989350 (VCV002989350.3), dbSNP rs1290189270, ClinGen allele CA392856881.
Genomic context (GRCh38, chr15:65,076,997, plus strand): 5'-GGGAGACCCGCGCAGCAGAGGTGCGCCTGGGCGTTCTGAGCGCGGGAGGTTTCCGCGCCA[C>T]GCTGCAGGTGCTGCGCGGCGACCGGCCGGCGCTGGCGGCGGAGGACGAGCTGCTGCAGGC-3'
Protein context (NP_001094832.1, residues 51-71): GVLSAGGFRA[Thr61Met]LQVLRGDRPA

ClinVar aggregate classification (germline): Uncertain significance (1 of 4 stars; one submission).

Conditions:
Nemaline myopathy 6 (NEM6). Also called: Nemaline myopathy 6, autosomal dominant. Identifiers: Orphanet 171439, MedGen C1836472, MONDO:0012237, OMIM 609273.

Allele frequency attached by ClinVar (database versions not stated): gnomAD exomes below 0.00001.

Submission:

Labcorp Genetics (formerly Invitae), Labcorp
Classification: Uncertain significance for Nemaline myopathy 6. Last evaluated: 2023-10-29. Review status: criteria provided, single submitter. Criteria: Invitae Variant Classification Sherloc (09022015). Collection method: clinical testing. Allele origin: germline.
Comment: This sequence change replaces threonine, which is neutral and polar, with methionine, which is neutral and non-polar, at codon 61 of the KBTBD13 protein (p.Thr61Met). The frequency data for this variant in the population databases is considered unreliable, as metrics indicate poor data quality at this position in the gnomAD database. This variant has not been reported in the literature in individuals affected with KBTBD13-related conditions. Advanced modeling of protein sequence and biophysical properties (such as structural, functional, and spatial information, amino acid conservation, physicochemical variation, residue mobility, and thermodynamic stability) performed at Invitae indicates that this missense variant is not expected to disrupt KBTBD13 protein function with a negative predictive value of 80%. In summary, the available evidence is currently insufficient to determine the role of this variant in disease. Therefore, it has been classified as a Variant of Uncertain Significance.